The following is an entry in ClinVar:

ClinVar aggregate classification (germline): Uncertain significance (1 of 4 stars; one submission).

Conditions:
Cernunnos-XLF deficiency (IMD124). Also called: NHEJ1 SYNDROME; SCID, AUTOSOMAL RECESSIVE, T CELL-NEGATIVE, B CELL-NEGATIVE, NK CELL-POSITIVE, WITH MICROCEPHALY, GROWTH RETARDATION, AND SENSITIVITY TO IONIZING RADIATION; Severe combined immunodeficiency with sensitivity to ionizing radiation due to NHEJ1 deficiency; SCID, autosomal recessive, T cell-negative, B cell-negative, NK cell-positive, and sensitivity to ionizing radiation due to NHEJ1 deficiency; IMMUNODEFICIENCY 124, SEVERE COMBINED. Identifiers: Orphanet 169079, MedGen C1969799, MONDO:0012650, OMIM 611291.

Submission:

Labcorp Genetics (formerly Invitae), Labcorp
Classification: Uncertain significance for Cernunnos-XLF deficiency. Last evaluated: 2022-12-06. Review status: criteria provided, single submitter. Criteria: Invitae Variant Classification Sherloc (09022015). Collection method: clinical testing. Allele origin: germline.
Comment: In summary, the available evidence is currently insufficient to determine the role of this variant in disease. Therefore, it has been classified as a Variant of Uncertain Significance. Advanced modeling of protein sequence and biophysical properties (such as structural, functional, and spatial information, amino acid conservation, physicochemical variation, residue mobility, and thermodynamic stability) performed at Invitae indicates that this missense variant is not expected to disrupt NHEJ1 protein function. ClinVar contains an entry for this variant (Variation ID: 1388980). This variant has not been reported in the literature in individuals affected with NHEJ1-related conditions. This variant is not present in population databases (gnomAD no frequency). This sequence change replaces glutamic acid, which is acidic and polar, with alanine, which is neutral and non-polar, at codon 200 of the NHEJ1 protein (p.Glu200Ala).

NM_024782.3(NHEJ1):c.599A>C (p.Glu200Ala)

Gene: NHEJ1 (non-homologous end joining factor 1; minus strand). Cytogenetic location: 2q35.
Variant type: single nucleotide variant.
Coding change: c.599A>C on transcript NM_024782.3 (MANE Select); coding-DNA position 599, A replaced by C.
Protein change: p.Glu200Ala; replaces glutamic acid 200 with alanine.
Molecular consequence: missense variant. On other transcripts: non-coding transcript variant (1).
Genome position (GRCh38, 1-based): chr2:219,078,196, T>G on the plus strand (A>C on the coding strand, the complement: NHEJ1 is on the minus strand). VCF-style: chr2-219078196-T-G. GRCh37 (hg19) VCF-style: chr2-219942918-T-G.
Other names: c.599A>C, p.Glu200Ala (NM_001377498.1, NM_001377499.1); short protein forms E200A.
Identifiers: ClinVar variation 1388980 (VCV001388980.6), dbSNP rs2106320174, ClinGen allele CA350642690.